The following is an entry in ClinVar:

NM_007294.4(BRCA1):c.2491T>C (p.Tyr831His)

Gene: BRCA1 (BRCA1 DNA repair associated; minus strand). Cytogenetic location: 17q21.31.
Variant type: single nucleotide variant.
Coding change: c.2491T>C on transcript NM_007294.4 (MANE Select); coding-DNA position 2491, T replaced by C.
Protein change: p.Tyr831His; replaces tyrosine 831 with histidine.
Molecular consequence: missense variant. On other transcripts: intron variant (137).
Genome position (GRCh38, 1-based): chr17:43,093,040, A>G on the plus strand (T>C on the coding strand, the complement: BRCA1 is on the minus strand). VCF-style: chr17-43093040-A-G. GRCh37 (hg19) VCF-style: chr17-41245057-A-G.
Other names: c.2281T>C, p.Tyr761His (NM_001407902.1, NM_001407904.1, NM_001407906.1 and 13 more transcripts); c.2278T>C, p.Tyr760His (NM_001407571.1, NM_001407917.1, NM_001407918.1 and 9 more transcripts); c.2491T>C, p.Tyr831His (NM_001407581.1, NM_001407582.1, NM_001407583.1 and 30 more transcripts); c.2227T>C, p.Tyr743His (NM_001407921.1, NM_001407922.1, NM_001407923.1 and 9 more transcripts); c.2368T>C, p.Tyr790His (NM_001407919.1, NM_001407648.1, NM_001407664.1 and 19 more transcripts); c.2488T>C, p.Tyr830His (NM_001407590.1, NM_001407591.1, NM_001407587.1 and 22 more transcripts); c.2482T>C, p.Tyr828His (NM_001407646.1, NM_001407647.1); c.2365T>C, p.Tyr789His (NM_001407649.1, NM_001407670.1, NM_001407671.1 and 11 more transcripts); and 41 more; short protein forms Y831H, Y784H, Y663H, Y703H, Y760H, Y828H, Y704H, Y720H.
Identifiers: ClinVar variation 821355 (VCV000821355.7), dbSNP rs1060502350, ClinGen allele CA10597017.
Genomic context (GRCh38, chr17:43,093,040, plus strand): 5'-CACTTTCTTCCATTTCTATGCTTGTTTCCCGACTGTGGTTAACTTCATGTCCCAATGGAT[A>G]CTTAAAGCCTTCTGTGTCATTTCTATTATCTTTGGAACAACCATGAATTAGTCCCTTGGG-3'
Protein context (NP_009225.1, residues 821-841): DNRNDTEGFK[Tyr831His]PLGHEVNHSR

ClinVar aggregate classification (germline): Conflicting classifications of pathogenicity. Review status: criteria provided, conflicting classifications (1 of 4 stars). 2 submissions from 2 submitters: Uncertain significance (1); Likely benign (1). Last evaluated 2023-03-23.

Conditions:
Hereditary cancer-predisposing syndrome. Also called: Neoplastic Syndromes, Hereditary; Tumor predisposition; Hereditary Cancer Syndrome; Hereditary neoplastic syndrome. Identifiers: Orphanet 140162, MedGen C0027672, MeSH D009386, MONDO:0015356.

Submissions (2):

University of Washington Department of Laboratory Medicine, University of Washington
Classification: Likely benign for Hereditary cancer-predisposing syndrome. Last evaluated: 2023-03-23. Review status: criteria provided, single submitter. Criteria: Dines et al. (Genet Med. 2020). Collection method: curation. Allele origin: germline.
Comment: Missense variant in a coldspot region where missense variants are very unlikely to be pathogenic (PMID:31911673).

BRCA1 coldspot (exon 11 using historical exon numbering). Reclassification based on statistical prior probability

Ambry Genetics
Classification: Uncertain significance for Hereditary cancer-predisposing syndrome. Last evaluated: 2019-11-07. Review status: criteria provided, single submitter. Criteria: Ambry Variant Classification Scheme 2023. Collection method: clinical testing. Allele origin: germline.
Comment: The p.Y831H variant (also known as c.2491T>C), located in coding exon 9 of the BRCA1 gene, results from a T to C substitution at nucleotide position 2491. The tyrosine at codon 831 is replaced by histidine, an amino acid with similar properties. This amino acid position is poorly conserved in available vertebrate species. In addition, this alteration is predicted to be tolerated by in silico analysis. Since supporting evidence is limited at this time, the clinical significance of this alteration remains unclear.